The following is an entry in ClinVar:

NM_001458.5(FLNC):c.7341del (p.Ser2448fs)

Genes: FLNC (filamin C; plus strand), FLNC-AS1 (FLNC antisense RNA 1; minus strand). Cytogenetic location: 7q32.1.
Variant type: Deletion.
Coding change: c.7341del on transcript NM_001458.5 (MANE Select); coding-DNA position 7341, one base deleted (C; older notation c.7341delC).
Protein change: p.Ser2448fs; shifts the reading frame from serine 2448.
Molecular consequence: frameshift variant.
Genome position (GRCh38, 1-based): chr7:128,856,607, C deleted; the last of 3 consecutive C bases (chr7:128,856,605-128,856,607); deleting any one gives the same sequence. VCF-style (leftmost placement, unchanged base first): chr7-128856604-AC-A. GRCh37 (hg19) VCF-style: chr7-128496658-AC-A.
Other names: c.7242del, p.Ser2415fs (NM_001127487.2); short protein forms S2415fs, S2448fs.
Identifiers: ClinVar variation 2938838 (VCV002938838.3), dbSNP rs2536669715, ClinGen allele CA2740094861.

ClinVar aggregate classification (germline): Pathogenic (1 of 4 stars; one submission).

Conditions:
Hypertrophic cardiomyopathy 26. Also called: Cardiomyopathy, familial hypertrophic, 26. Identifiers: Orphanet 75249, MedGen C4310749, MONDO:0014883, OMIM 617047.
Myofibrillar myopathy 5. Also called: Filaminopathy (type); FILAMINOPATHY, AUTOSOMAL DOMINANT. Identifiers: Orphanet 171445, MedGen C1836050, MONDO:0012289, OMIM 609524.
Distal myopathy with posterior leg and anterior hand involvement. Also called: WILLIAMS DISTAL MYOPATHY. Identifiers: Orphanet 63273, MedGen C3279722, MONDO:0013550, OMIM 614065.

Submission:

Labcorp Genetics (formerly Invitae), Labcorp
Classification: Pathogenic for Distal myopathy with posterior leg and anterior hand involvement; Myofibrillar myopathy 5; Hypertrophic cardiomyopathy 26. Last evaluated: 2023-05-01. Review status: criteria provided, single submitter. Criteria: Invitae Variant Classification Sherloc (09022015). Collection method: clinical testing. Allele origin: germline.
Comment: For these reasons, this variant has been classified as Pathogenic. This variant has not been reported in the literature in individuals affected with FLNC-related conditions. This variant is not present in population databases (gnomAD no frequency). This sequence change creates a premature translational stop signal (p.Ser2448Argfs*81) in the FLNC gene. It is expected to result in an absent or disrupted protein product. Loss-of-function variants in FLNC are known to be pathogenic (PMID: 27908349).

Literature cited by the submitters: PubMed 27908349.